The following is an entry in ClinVar:

ClinVar aggregate classification (germline): Uncertain significance (1 of 4 stars; one submission).

Submission:

Labcorp Genetics (formerly Invitae), Labcorp
Classification: Uncertain significance. Last evaluated: 2026-01-12. Review status: criteria provided, single submitter. Criteria: Invitae Variant Classification Sherloc (09022015). Collection method: clinical testing. Allele origin: germline.
Comment: This sequence change replaces valine, which is neutral and non-polar, with isoleucine, which is neutral and non-polar, at codon 1991 of the SZT2 protein (p.Val1991Ile). This variant is not present in population databases (gnomAD no frequency). This variant has not been reported in the literature in individuals affected with SZT2-related conditions. ClinVar contains an entry for this variant (Variation ID: 2092507). Invitae Evidence Modeling of protein sequence and biophysical properties (such as structural, functional, and spatial information, amino acid conservation, physicochemical variation, residue mobility, and thermodynamic stability) indicates that this missense variant is not expected to disrupt SZT2 protein function with a negative predictive value of 80%. In summary, the available evidence is currently insufficient to determine the role of this variant in disease. Therefore, it has been classified as a Variant of Uncertain Significance.

NM_001365999.1(SZT2):c.6142G>A (p.Val2048Ile)

Gene: SZT2 (SZT2 subunit of KICSTOR complex; plus strand). Cytogenetic location: 1p34.2.
Variant type: single nucleotide variant.
Coding change: c.6142G>A on transcript NM_001365999.1 (MANE Select); coding-DNA position 6142, G replaced by A.
Protein change: p.Val2048Ile; replaces valine 2048 with isoleucine.
Molecular consequence: missense variant.
Genome position (GRCh38, 1-based): chr1:43,437,278, G>A. VCF-style: chr1-43437278-G-A. GRCh37 (hg19) VCF-style: chr1-43902949-G-A.
Other names: c.5971G>A, p.Val1991Ile (NM_015284.4); short protein forms V1991I, V2048I.
Identifiers: ClinVar variation 2092507 (VCV002092507.4), dbSNP rs2545840838, ClinGen allele CA340028495.